The following is an entry in ClinVar:

NM_001270974.2(HYDIN):c.6954C>T (p.Phe2318=)

Gene: HYDIN (HYDIN axonemal central pair apparatus protein; minus strand). Cytogenetic location: 16q22.2.
Variant type: single nucleotide variant.
Coding change: c.6954C>T on transcript NM_001270974.2 (MANE Select); coding-DNA position 6954, C replaced by T.
Protein change: p.Phe2318=; no amino-acid change (phenylalanine 2318 retained).
Molecular consequence: synonymous variant.
Genome position (GRCh38, 1-based): chr16:70,938,655, G>A on the plus strand (C>T on the coding strand, the complement: HYDIN is on the minus strand). VCF-style: chr16-70938655-G-A. GRCh37 (hg19) VCF-style: chr16-70972558-G-A.
Identifiers: ClinVar variation 2646748 (VCV002646748.25), dbSNP rs372713694, ClinGen allele CA8150082.

ClinVar aggregate classification (germline): Likely benign. Review status: criteria provided, multiple submitters, no conflicts (2 of 4 stars). 2 submissions from 2 submitters: Likely benign (2). Last evaluated 2024-11-13.

Allele frequency attached by ClinVar (database versions not stated): gnomAD exomes 0.00015; ExAC 0.00055; ESP Exome Variant Server 0.00144; 1000 Genomes Project 0.00160; gnomAD 0.00172; 1000 Genomes Project 30x 0.00203.
gnomAD v4.1: 497 of 1,607,236 alleles (0.031%); highest among the groups gnomAD compares: African/African-American, 0.57%; no homozygotes.

Submissions (2):

Blueprint Genetics
Classification: Likely benign. Last evaluated: 2024-11-13. Review status: criteria provided, single submitter. Criteria: ACMG Guidelines, 2015. Collection method: clinical testing. Allele origin: germline.

CeGaT Center for Human Genetics Tuebingen
Classification: Likely benign. Last evaluated: 2022-06-01. Review status: criteria provided, single submitter. Criteria: CeGaT Center For Human Genetics Tuebingen Variant Classification Criteria Version 2. Collection method: clinical testing. Allele origin: germline. Affected: yes. Observed: 1 variant allele.
Comment: HYDIN: BP4, BP7